The following is an entry in ClinVar:

ClinVar aggregate classification (germline): Uncertain significance. Review status: criteria provided, multiple submitters, no conflicts (2 of 4 stars). 2 submissions from 2 submitters: Uncertain significance (2). Last evaluated 2026-07-13.

Conditions:
Cardiovascular phenotype. Identifiers: MedGen CN230736.

gnomAD v4.1: 14 of 1,611,322 alleles (0.00087%); highest among the groups gnomAD compares: African/African-American, 0.0013%; no homozygotes.

Submissions (2):

Ambry Genetics
Classification: Uncertain significance for Cardiovascular phenotype. Last evaluated: 2026-07-13. Review status: criteria provided, single submitter. Criteria: Ambry Variant Classification Scheme 2023. Collection method: clinical testing. Allele origin: germline.
Comment: The p.L4228Q variant (also known as c.12683T>A), located in coding exon 29 of the APOB gene, results from a T to A substitution at nucleotide position 12683. The leucine at codon 4228 is replaced by glutamine, an amino acid with dissimilar properties. This amino acid position is conserved. In addition, the in silico prediction for this alteration is inconclusive. Based on the available evidence, the clinical significance of this variant remains unclear.

GeneDx
Classification: Uncertain significance. Last evaluated: 2026-01-26. Review status: criteria provided, single submitter. Criteria: GeneDx Variant Classification Process June 2021. Collection method: clinical testing. Allele origin: germline.
Comment: Not observed at significant frequency in large population cohorts (gnomAD); In silico analysis supports that this missense variant has a deleterious effect on protein structure/function; Has not been previously published as pathogenic or benign to our knowledge

NM_000384.3(APOB):c.12683T>A (p.Leu4228Gln)

Gene: APOB (apolipoprotein B; minus strand). Cytogenetic location: 2p24.1.
Variant type: single nucleotide variant.
Coding change: c.12683T>A on transcript NM_000384.3 (MANE Select); coding-DNA position 12683, T replaced by A.
Protein change: p.Leu4228Gln; replaces leucine 4228 with glutamine.
Molecular consequence: missense variant.
Genome position (GRCh38, 1-based): chr2:21,002,739, A>T on the plus strand (T>A on the coding strand, the complement: APOB is on the minus strand). VCF-style: chr2-21002739-A-T. GRCh37 (hg19) VCF-style: chr2-21225611-A-T.
Other names: short protein forms L4228Q.
Identifiers: ClinVar variation 4891325 (VCV004891325.2).